The following is an entry in ClinVar:

NM_006361.6(HOXB13):c.581T>C (p.Phe194Ser)

Gene: HOXB13 (homeobox B13; minus strand). Cytogenetic location: 17q21.32.
Variant type: single nucleotide variant.
Coding change: c.581T>C on transcript NM_006361.6 (MANE Select); coding-DNA position 581, T replaced by C.
Protein change: p.Phe194Ser; replaces phenylalanine 194 with serine.
Molecular consequence: missense variant.
Genome position (GRCh38, 1-based): chr17:48,728,013, A>G on the plus strand (T>C on the coding strand, the complement: HOXB13 is on the minus strand). VCF-style: chr17-48728013-A-G. GRCh37 (hg19) VCF-style: chr17-46805375-A-G.
Other names: short protein forms F194S.
Identifiers: ClinVar variation 4644181 (VCV004644181.1).

ClinVar aggregate classification (germline): Uncertain significance (1 of 4 stars; one submission).

Conditions:
Hereditary cancer-predisposing syndrome. Also called: Neoplastic Syndromes, Hereditary; Tumor predisposition; Hereditary Cancer Syndrome; Hereditary neoplastic syndrome. Identifiers: Orphanet 140162, MedGen C0027672, MeSH D009386, MONDO:0015356.

Submission:

Ambry Genetics
Classification: Uncertain significance for Hereditary cancer-predisposing syndrome. Last evaluated: 2025-11-23. Review status: criteria provided, single submitter. Criteria: Ambry Variant Classification Scheme 2023. Collection method: clinical testing. Allele origin: germline.
Comment: The p.F194S variant (also known as c.581T>C), located in coding exon 1 of the HOXB13 gene, results from a T to C substitution at nucleotide position 581. The phenylalanine at codon 194 is replaced by serine, an amino acid with highly dissimilar properties. This amino acid position is conserved. In addition, this alteration is predicted to be tolerated by in silico analysis. Based on the available evidence, the clinical significance of this variant remains unclear.